The following is an entry in ClinVar:

NM_001286.5(CLCN6):c.220C>G (p.Arg74Gly)

Gene: CLCN6 (Cl-/H+ antiporter 6; plus strand). Cytogenetic location: 1p36.22.
Variant type: single nucleotide variant.
Coding change: c.220C>G on transcript NM_001286.5 (MANE Select); coding-DNA position 220, C replaced by G.
Protein change: p.Arg74Gly; replaces arginine 74 with glycine.
Molecular consequence: missense variant. On other transcripts: non-coding transcript variant (1).
Genome position (GRCh38, 1-based): chr1:11,816,621, C>G. VCF-style: chr1-11816621-C-G. GRCh37 (hg19) VCF-style: chr1-11876678-C-G.
Other names: c.154C>G, p.Arg52Gly (NM_001256959.2); short protein forms R52G, R74G.
Identifiers: ClinVar variation 3612444 (VCV003612444.2).

ClinVar aggregate classification (germline): Uncertain significance (1 of 4 stars; one submission).

gnomAD v4.1: 3 of 1,612,406 alleles (0.00019%); highest among the groups gnomAD compares: Admixed American, 0.0033%; no homozygotes.

Submission:

Labcorp Genetics (formerly Invitae), Labcorp
Classification: Uncertain significance. Last evaluated: 2025-08-04. Review status: criteria provided, single submitter. Criteria: Invitae Variant Classification Sherloc (09022015). Collection method: clinical testing. Allele origin: germline.
Comment: This sequence change replaces arginine, which is basic and polar, with glycine, which is neutral and non-polar, at codon 74 of the CLCN6 protein (p.Arg74Gly). The frequency data for this variant in the population databases is considered unreliable, as metrics indicate poor data quality at this position in the gnomAD database. This variant has not been reported in the literature in individuals affected with CLCN6-related conditions. ClinVar contains an entry for this variant (Variation ID: 3612444). An algorithm developed to predict the effect of missense changes on protein structure and function (PolyPhen-2) suggests that this variant is likely to be tolerated. In summary, the available evidence is currently insufficient to determine the role of this variant in disease. Therefore, it has been classified as a Variant of Uncertain Significance.